The following is an entry in ClinVar:

ClinVar aggregate classification (germline): Uncertain significance (1 of 4 stars; one submission).

Conditions:
Hypotonia, infantile, with psychomotor retardation and characteristic facies 2 (IHPRF2). Also called: UNC80 Deficiency. Identifiers: Orphanet 371364, Orphanet 700333, MedGen C4225203, MONDO:0014777, OMIM 616801.

Submission:

3billion
Classification: Uncertain significance for Hypotonia, infantile, with psychomotor retardation and characteristic facies 2. Last evaluated: 2025-05-01. Review status: criteria provided, single submitter. Criteria: ACMG Guidelines, 2015. Collection method: clinical testing. Allele origin: germline. Affected: yes.
Comment: The variant is not observed in the gnomAD v4.1.0 dataset. Predicted Consequence/Location: Intron variant In silico tools predict the variant to alter splicing and produce an abnormal transcript [SpliceAI: 0.59 (>=0.2, moderate evidence for spliceogenicity)]. Therefore, this variant is classified as VUS according to the recommendation of ACMG/AMP guideline.

NM_001371986.1(UNC80):c.8131-6_8131-2del

Gene: UNC80 (unc-80 subunit of NALCN channel complex; plus strand). Cytogenetic location: 2q34.
Variant type: Deletion.
Coding change: c.8131-6_8131-2del on transcript NM_001371986.1 (MANE Select); 6 bases into the intron before coding-DNA position 8131 through the canonical splice acceptor site of the intron before coding-DNA position 8131, 5 bases deleted (TTTCA; older notation c.8131-6_8131-2delTTTCA).
Molecular consequence: splice acceptor variant.
Genome position (GRCh38, 1-based): chr2:209,970,826-209,970,830, TTTCA deleted; deleting any 5 consecutive bases within chr2:209,970,825-209,970,830 gives the same sequence; the c. name uses the placement nearest the transcript's 3' end. VCF-style (leftmost placement, unchanged base first): chr2-209970824-TATTTC-T. GRCh37 (hg19) VCF-style: chr2-210835548-TATTTC-T.
Other names: c.7933-6_7933-2del (NM_032504.2); c.7918-6_7918-2del (NM_182587.4).
Identifiers: ClinVar variation 4855857 (VCV004855857.1).
Genomic context (GRCh38, chr2:209,970,824, plus strand): 5'-ACTCCTTTACTACGGTTGCATGAAATTGCAATAGTCAAGGCTGGTCATGTGCTCTGTTTG[TATTTC>T]AGGTGATGGGAGTGGTAGGACCTTCCAGTGTTGCTGATGGATTACCCCTTCTTCATCTCA-3'